The following is an entry in ClinVar:

NM_000026.4(ADSL):c.775G>T (p.Gly259Trp)

Gene: ADSL (adenylosuccinate lyase; plus strand). Cytogenetic location: 22q13.1.
Variant type: single nucleotide variant.
Coding change: c.775G>T on transcript NM_000026.4 (MANE Select); coding-DNA position 775, G replaced by T.
Protein change: p.Gly259Trp; replaces glycine 259 with tryptophan.
Molecular consequence: missense variant. On other transcripts: non-coding transcript variant (1).
Genome position (GRCh38, 1-based): chr22:40,360,475, G>T. VCF-style: chr22-40360475-G-T. GRCh37 (hg19) VCF-style: chr22-40756479-G-T.
Other names: p.G259W:GGG>TGG; c.775G>T, p.Gly259Trp (NM_001123378.3, NM_001363840.3); c.583G>T, p.Gly195Trp (NM_001317923.2); short protein forms G259W, G195W.
Identifiers: ClinVar variation 204786 (VCV000204786.2), dbSNP rs796052244, ClinGen allele CA313093.
Genomic context (GRCh38, chr22:40,360,475, plus strand): 5'-ACAGGGCAGACATATACACGAAAAGTGGATATTGAAGTACTGTCTGTGCTGGCTAGCTTG[G>T]GGGCATCAGTGCACAAGGTGAGTGGTGGCAGCATGTGGGGTGGGGACAGGAGCTTTGGGC-3'
Protein context (NP_000017.1, residues 249-269): IEVLSVLASL[Gly259Trp]ASVHKICTDI

ClinVar aggregate classification (germline): Likely pathogenic (1 of 4 stars; one submission).

Allele frequency attached by ClinVar (database versions not stated): gnomAD exomes below 0.00001.
gnomAD v4.1: 1 of 1,614,040 alleles (0.000062%); highest among the groups gnomAD compares: Non-Finnish European, 0.000085%; no homozygotes.

Submission:

GeneDx
Classification: Likely pathogenic. Last evaluated: 2018-10-26. Review status: criteria provided, single submitter. Criteria: GeneDx Variant Classification (06012015). Collection method: clinical testing. Allele origin: germline. Affected: yes.
Comment: The G259W variant in the ADSL gene has not been reported previously as a pathogenic variant, nor as a benign variant, to our knowledge. The G259W variant is not observed in large population cohorts (Lek et al., 2016). The G259W variant is a semi-conservative amino acid substitution, which may impact secondary protein structure as these residues differ in some properties. In-silico analyses, including protein predictors and evolutionary conservation, support a deleterious effect. We interpret G259W as a likely pathogenic variant.